The following is an entry in ClinVar:

NM_007255.3(B4GALT7):c.397C>T (p.Gln133Ter)

Gene: B4GALT7 (beta-1,4-galactosyltransferase 7; plus strand). Cytogenetic location: 5q35.3.
Variant type: single nucleotide variant.
Coding change: c.397C>T on transcript NM_007255.3 (MANE Select); coding-DNA position 397, C replaced by T.
Protein change: p.Gln133Ter; replaces glutamine 133 with a stop codon.
Molecular consequence: nonsense.
Genome position (GRCh38, 1-based): chr5:177,604,525, C>T. VCF-style: chr5-177604525-C-T. GRCh37 (hg19) VCF-style: chr5-177031526-C-T.
Other names: short protein forms Q133*.
Identifiers: ClinVar variation 4771301 (VCV004771301.1).

ClinVar aggregate classification (germline): Pathogenic (1 of 4 stars; one submission).

Conditions:
Spondylodysplastic Ehlers-Danlos syndrome. Identifiers: Orphanet 536471, Orphanet 75496, MedGen C5680154, MONDO:0007526.

Submission:

Labcorp Genetics (formerly Invitae), Labcorp
Classification: Pathogenic for Spondylodysplastic Ehlers-Danlos syndrome. Last evaluated: 2025-12-21. Review status: criteria provided, single submitter. Criteria: Invitae Variant Classification Sherloc (09022015). Collection method: clinical testing. Allele origin: germline.
Comment: This sequence change creates a premature translational stop signal (p.Gln133*) in the B4GALT7 gene. It is expected to result in an absent or disrupted protein product. Loss-of-function variants in B4GALT7 are known to be pathogenic (PMID: 26940150, 31614862, 38431799). This variant is not present in population databases (gnomAD no frequency). This variant has not been reported in the literature in individuals affected with B4GALT7-related conditions. For these reasons, this variant has been classified as Pathogenic.

Literature cited by the submitters: PubMed 26940150; PubMed 31614862; PubMed 38431799.